The following is an entry in ClinVar:

NM_001009944.3(PKD1):c.2496C>T (p.Arg832=)

Gene: PKD1 (polycystin 1, transient receptor potential channel interacting; minus strand). Cytogenetic location: 16p13.3.
Variant type: single nucleotide variant.
Coding change: c.2496C>T on transcript NM_001009944.3 (MANE Select); coding-DNA position 2496, C replaced by T.
Protein change: p.Arg832=; no amino-acid change (arginine 832 retained).
Molecular consequence: synonymous variant.
Genome position (GRCh38, 1-based): chr16:2,114,527, G>A on the plus strand (C>T on the coding strand, the complement: PKD1 is on the minus strand). VCF-style: chr16-2114527-G-A. GRCh37 (hg19) VCF-style: chr16-2164528-G-A.
Other names: c.2496C>T, p.Arg832= (NM_000296.4).
Identifiers: ClinVar variation 4977969 (VCV004977969.1).
Genomic context (GRCh38, chr16:2,114,527, plus strand): 5'-ACCAGAGTCCACCTGGAGCACCAAGGCTGAGCCGTTGGTGGGCACGTAGAGGCGGCCGTC[G>A]CGGGGGGCAGGGTAGATGACCCGCAGCCCAGCCACTGGGGAGACCACGTCAAAGCTGCAG-3'
Protein context (NP_001009944.3, residues 822-842): AGLRVIYPAP[Arg832=]DGRLYVPTNG

ClinVar aggregate classification (germline): Likely benign (1 of 4 stars; one submission).

Conditions:
PKD1-related disorder. Also called: PKD1-related condition.

gnomAD v4.1: 39 of 1,593,998 alleles (0.0024%); highest among the groups gnomAD compares: Admixed American, 0.037%; no homozygotes.

Submission:

PreventionGenetics, part of Exact Sciences
Classification: Likely benign for PKD1-related condition. Last evaluated: 2024-10-29. Review status: criteria provided, single submitter. Criteria: ACMG Guidelines, 2015. Collection method: clinical testing. Allele origin: germline.
Comment: This variant is classified as likely benign based on ACMG/AMP sequence variant interpretation guidelines (Richards et al. 2015 PMID: 25741868, with internal and published modifications).